The following is an entry in ClinVar:

ClinVar aggregate classification (germline): Uncertain significance. Review status: criteria provided, multiple submitters, no conflicts (2 of 4 stars). 2 submissions from 2 submitters: Uncertain significance (2). Last evaluated 2024-09-08.

Conditions:
Hereditary cancer-predisposing syndrome. Also called: Neoplastic Syndromes, Hereditary; Tumor predisposition; Hereditary Cancer Syndrome; Hereditary neoplastic syndrome. Identifiers: Orphanet 140162, MedGen C0027672, MeSH D009386, MONDO:0015356.

Allele frequency attached by ClinVar (database versions not stated): TOPMed below 0.00001; gnomAD 0.00001; gnomAD exomes 0.00001.
gnomAD v4.1: 10 of 1,602,774 alleles (0.00062%); highest among the groups gnomAD compares: Non-Finnish European, 0.00077%; no homozygotes.

Submissions (2):

Ambry Genetics
Classification: Uncertain significance for Hereditary cancer-predisposing syndrome. Last evaluated: 2024-09-08. Review status: criteria provided, single submitter. Criteria: Ambry Variant Classification Scheme 2023. Collection method: clinical testing. Allele origin: germline.
Comment: The p.M658T variant (also known as c.1973T>C), located in coding exon 13 of the RAD50 gene, results from a T to C substitution at nucleotide position 1973. The methionine at codon 658 is replaced by threonine, an amino acid with similar properties. This amino acid position is conserved. In addition, the in silico prediction for this alteration is inconclusive. Since supporting evidence is limited at this time, the clinical significance of this alteration remains unclear.

Labcorp Genetics (formerly Invitae), Labcorp
Classification: Uncertain significance for Hereditary cancer-predisposing syndrome. Last evaluated: 2023-10-15. Review status: criteria provided, single submitter. Criteria: Invitae Variant Classification Sherloc (09022015). Collection method: clinical testing. Allele origin: germline.
Comment: This sequence change replaces methionine, which is neutral and non-polar, with threonine, which is neutral and polar, at codon 658 of the RAD50 protein (p.Met658Thr). This variant is not present in population databases (gnomAD no frequency). This variant has not been reported in the literature in individuals affected with RAD50-related conditions. ClinVar contains an entry for this variant (Variation ID: 527350). Advanced modeling of protein sequence and biophysical properties (such as structural, functional, and spatial information, amino acid conservation, physicochemical variation, residue mobility, and thermodynamic stability) has been performed at Invitae for this missense variant, however the output from this modeling did not meet the statistical confidence thresholds required to predict the impact of this variant on RAD50 protein function. In summary, the available evidence is currently insufficient to determine the role of this variant in disease. Therefore, it has been classified as a Variant of Uncertain Significance.

NM_005732.4(RAD50):c.1973T>C (p.Met658Thr)

Gene: RAD50 (RAD50 double strand break repair protein; plus strand). Cytogenetic location: 5q31.1.
Variant type: single nucleotide variant.
Coding change: c.1973T>C on transcript NM_005732.4 (MANE Select); coding-DNA position 1973, T replaced by C.
Protein change: p.Met658Thr; replaces methionine 658 with threonine.
Molecular consequence: missense variant.
Genome position (GRCh38, 1-based): chr5:132,595,576, T>C. VCF-style: chr5-132595576-T-C. GRCh37 (hg19) VCF-style: chr5-131931268-T-C.
Other names: short protein forms M658T.
Identifiers: ClinVar variation 527350 (VCV000527350.14), dbSNP rs1286348982, ClinGen allele CA360949161.